The following is an entry in ClinVar:

NM_000528.4(MAN2B1):c.179C>T (p.Pro60Leu)

Gene: MAN2B1 (mannosidase alpha class 2B member 1; minus strand). Cytogenetic location: 19p13.13.
Variant type: single nucleotide variant.
Coding change: c.179C>T on transcript NM_000528.4 (MANE Select); coding-DNA position 179, C replaced by T.
Protein change: p.Pro60Leu; replaces proline 60 with leucine.
Molecular consequence: missense variant.
Genome position (GRCh38, 1-based): chr19:12,665,786, G>A on the plus strand (C>T on the coding strand, the complement: MAN2B1 is on the minus strand). VCF-style: chr19-12665786-G-A. GRCh37 (hg19) VCF-style: chr19-12776600-G-A.
Other names: c.179C>T (NM_000528.3); c.179C>T, p.Pro60Leu (NM_001173498.2); short protein forms P60L.
Identifiers: ClinVar variation 808457 (VCV000808457.44), dbSNP rs145163643, ClinGen allele CA9226883.

ClinVar aggregate classification (germline): Uncertain significance. Review status: criteria provided, multiple submitters, no conflicts (2 of 4 stars). 3 submissions from 3 submitters: Uncertain significance (3). Last evaluated 2022-08-16.

Conditions:
Inborn genetic diseases. Identifiers: MedGen C0950123, MeSH D030342.
Deficiency of alpha-mannosidase (MANSA). Also called: Mannosidosis, alpha-, types I and II; LYSOSOMAL ALPHA-D-MANNOSIDASE DEFICIENCY; Alpha-Mannosidosis. Identifiers: Orphanet 61, MedGen C0024748, MONDO:0009561, OMIM 248500.

Allele frequency attached by ClinVar (database versions not stated): ExAC 0.00002; gnomAD exomes 0.00002; gnomAD 0.00003; TOPMed 0.00004; ESP Exome Variant Server 0.00008.

Submissions (3):

Labcorp Genetics (formerly Invitae), Labcorp
Classification: Uncertain significance for Deficiency of alpha-mannosidase. Last evaluated: 2022-08-16. Review status: criteria provided, single submitter. Criteria: Invitae Variant Classification Sherloc (09022015). Collection method: clinical testing. Allele origin: germline.
Comment: This sequence change replaces proline, which is neutral and non-polar, with leucine, which is neutral and non-polar, at codon 60 of the MAN2B1 protein (p.Pro60Leu). This variant is present in population databases (rs145163643, gnomAD 0.004%). This variant has not been reported in the literature in individuals affected with MAN2B1-related conditions. ClinVar contains an entry for this variant (Variation ID: 808457). Algorithms developed to predict the effect of missense changes on protein structure and function are either unavailable or do not agree on the potential impact of this missense change (SIFT: "Deleterious"; PolyPhen-2: "Possibly Damaging"; Align-GVGD: "Class C0"). In summary, the available evidence is currently insufficient to determine the role of this variant in disease. Therefore, it has been classified as a Variant of Uncertain Significance.

Ambry Genetics
Classification: Uncertain significance for Inborn genetic diseases. Last evaluated: 2021-10-27. Review status: criteria provided, single submitter. Criteria: Ambry Variant Classification Scheme 2023. Collection method: clinical testing. Allele origin: germline.

CeGaT Center for Human Genetics Tuebingen
Classification: Uncertain significance. Last evaluated: 2018-11-01. Review status: criteria provided, single submitter. Criteria: CeGaT Center For Human Genetics Tuebingen Variant Classification Criteria Version 2. Collection method: clinical testing. Allele origin: germline. Affected: yes. Observed: 3 variant alleles.